The following is an entry in ClinVar:

GRCh38/hg38 5p15.33-14.3(chr5:22149-23132046)x1

Genes: LPCAT1 (lysophosphatidylcholine acyltransferase 1), LRRC14B (leucine rich repeat containing 14B; plus strand), LSINCT5 (long stress-induced non-coding transcript 5; plus strand), MARCHF11 (membrane associated ring-CH-type finger 11; minus strand), MARCHF11-AS1 (MARCHF11 antisense RNA 1; plus strand) and 538 more. Cytogenetic location: 5p15.33-14.3.
Variant type: copy number loss.
Change: copy number 1 (one copy instead of two) of chr5:22,149-23,132,046 (23.11 Mb, GRCh38 coordinates, 1-based), cytogenetic band 5p15.33-14.3.
Identifiers: ClinVar variation 59555 (VCV000059555.1).

ClinVar aggregate classification (germline): Pathogenic (1 of 4 stars; one submission).

Submission:

ISCA site 4
Classification: Pathogenic. Last evaluated: 2011-08-12. Review status: criteria provided, single submitter. Criteria: Kaminsky et al. (Genet Med. 2011). Collection method: clinical testing. Allele origin: unknown. Affected: yes. Observed: 1 variant allele.
Comment: Copy number variation identified through the course of routine clinical cytogenomic testing in postnatal populations. Clinical assertions have been curated as described in Kaminsky et al. 2011.